The following is an entry in ClinVar:

NM_001267550.2(TTN):c.92785G>A (p.Ala30929Thr)

Genes: TTN (titin; minus strand), TTN-AS1 (TTN antisense RNA 1; plus strand). Cytogenetic location: 2q31.2.
Variant type: single nucleotide variant.
Coding change: c.92785G>A on transcript NM_001267550.2 (MANE Select); coding-DNA position 92785, G replaced by A.
Protein change: p.Ala30929Thr; replaces alanine 30929 with threonine.
Molecular consequence: missense variant.
Genome position (GRCh38, 1-based): chr2:178,548,841, C>T on the plus strand (G>A on the coding strand, the complement: TTN is on the minus strand). VCF-style: chr2-178548841-C-T. GRCh37 (hg19) VCF-style: chr2-179413568-C-T.
Other names: c.87862G>A, p.Ala29288Thr (NM_001256850.1); c.65590G>A, p.Ala21864Thr (NM_003319.4); c.85081G>A, p.Ala28361Thr (NM_133378.4); c.65965G>A, p.Ala21989Thr (NM_133432.3); c.66166G>A, p.Ala22056Thr (NM_133437.4); short protein forms A21864T, A22056T, A30929T, A21989T, A28361T, A29288T.
Identifiers: ClinVar variation 1030166 (VCV001030166.1), dbSNP rs1192451781, ClinGen allele CA349491022.

ClinVar aggregate classification (germline): Uncertain significance (1 of 4 stars; one submission).

Conditions:
Dilated cardiomyopathy 1G (CMD1G). Identifiers: Orphanet 154, MedGen C1858763, MONDO:0011400, OMIM 604145.

Allele frequency attached by ClinVar (database versions not stated): gnomAD exomes below 0.00001 and 0.00001; TOPMed below 0.00001.
gnomAD v4.1: 4 of 1,613,194 alleles (0.00025%); highest among the groups gnomAD compares: Admixed American, 0.005%; no homozygotes.

Submission:

Baylor Genetics
Classification: Uncertain significance for Dilated cardiomyopathy 1G. Last evaluated: 2020-01-14. Review status: criteria provided, single submitter. Criteria: ACMG Guidelines, 2015. Collection method: clinical testing. Allele origin: unknown. Affected: yes.
Comment: This variant was determined to be of uncertain significance according to ACMG Guidelines, 2015 [PMID:25741868].